The following is an entry in ClinVar:

NM_001035.3(RYR2):c.14152-274G>A

Gene: RYR2 (ryanodine receptor 2; plus strand). Cytogenetic location: 1q43.
Variant type: single nucleotide variant.
Coding change: c.14152-274G>A on transcript NM_001035.3 (MANE Select); 274 bases into the intron before coding-DNA position 14152, G replaced by A.
Molecular consequence: intron variant.
Genome position (GRCh38, 1-based): chr1:237,805,863, G>A. VCF-style: chr1-237805863-G-A. GRCh37 (hg19) VCF-style: chr1-237969163-G-A.
Identifiers: ClinVar variation 669002 (VCV000669002.1), dbSNP rs114033948, ClinGen allele CA39842511.

ClinVar aggregate classification (germline): Likely benign (1 of 4 stars; one submission).

Allele frequency attached by ClinVar (database versions not stated): gnomAD 0.00543; TOPMed 0.00569; 1000 Genomes Project 0.00739; 1000 Genomes Project 30x 0.00812.
gnomAD v4.1: 829 of 152,008 alleles (0.55%); highest among the groups gnomAD compares: African/African-American, 1.9%; 14 homozygotes.

Submission:

GeneDx
Classification: Likely benign. Last evaluated: 2018-06-16. Review status: criteria provided, single submitter. Criteria: GeneDx Variant Classification (06012015). Collection method: clinical testing. Allele origin: germline. Affected: yes.
Comment: This variant is considered likely benign or benign based on one or more of the following criteria: it is a conservative change, it occurs at a poorly conserved position in the protein, it is predicted to be benign by multiple in silico algorithms, and/or has population frequency not consistent with disease.